The following is an entry in ClinVar:

NM_000051.4(ATM):c.8309G>A (p.Cys2770Tyr)

Genes: ATM (ATM serine/threonine kinase; plus strand), C11orf65 (chromosome 11 open reading frame 65; minus strand). Cytogenetic location: 11q22.3.
Variant type: single nucleotide variant.
Coding change: c.8309G>A on transcript NM_000051.4 (MANE Select); coding-DNA position 8309, G replaced by A.
Protein change: p.Cys2770Tyr; replaces cysteine 2770 with tyrosine.
Molecular consequence: missense variant. On other transcripts: intron variant (2).
Genome position (GRCh38, 1-based): chr11:108,343,262, G>A. VCF-style: chr11-108343262-G-A. GRCh37 (hg19) VCF-style: chr11-108213989-G-A.
Other names: c.8309G>A, p.Cys2770Tyr (NM_001351834.2); c.641-34191C>T (NM_001330368.2); c.695-7970C>T (NM_001351110.2); short protein forms C2770Y.
Identifiers: ClinVar variation 3802385 (VCV003802385.1).

ClinVar aggregate classification (germline): Uncertain significance (1 of 4 stars; one submission).

Conditions:
Hereditary cancer-predisposing syndrome. Also called: Neoplastic Syndromes, Hereditary; Tumor predisposition; Hereditary Cancer Syndrome; Hereditary neoplastic syndrome. Identifiers: Orphanet 140162, MedGen C0027672, MeSH D009386, MONDO:0015356.

Submission:

Ambry Genetics
Classification: Uncertain significance for Hereditary cancer-predisposing syndrome. Last evaluated: 2025-02-28. Review status: criteria provided, single submitter. Criteria: Ambry Variant Classification Scheme 2023. Collection method: clinical testing. Allele origin: germline.
Comment: The p.C2770Y variant (also known as c.8309G>A), located in coding exon 56 of the ATM gene, results from a G to A substitution at nucleotide position 8309. The cysteine at codon 2770 is replaced by tyrosine, an amino acid with highly dissimilar properties. This amino acid position is highly conserved in available vertebrate species. In addition, this alteration is predicted to be deleterious by in silico analysis. Based on the available evidence, the clinical significance of this variant remains unclear.